The following is an entry in ClinVar:

ClinVar aggregate classification (germline): Uncertain significance (1 of 4 stars; one submission).

Submission:

CeGaT Center for Human Genetics Tuebingen
Classification: Uncertain significance. Last evaluated: 2022-05-01. Review status: criteria provided, single submitter. Criteria: CeGaT Center For Human Genetics Tuebingen Variant Classification Criteria Version 2. Collection method: clinical testing. Allele origin: germline. Affected: yes. Observed: 1 variant allele.
Comment: PACS1: PM2, BP5

NM_018026.4(PACS1):c.1226C>T (p.Ser409Phe)

Gene: PACS1 (phosphofurin acidic cluster sorting protein 1; plus strand). Cytogenetic location: 11q13.2.
Variant type: single nucleotide variant.
Coding change: c.1226C>T on transcript NM_018026.4 (MANE Select); coding-DNA position 1226, C replaced by T.
Protein change: p.Ser409Phe; replaces serine 409 with phenylalanine.
Molecular consequence: missense variant.
Genome position (GRCh38, 1-based): chr11:66,221,180, C>T. VCF-style: chr11-66221180-C-T. GRCh37 (hg19) VCF-style: chr11-65988651-C-T.
Other names: short protein forms S409F.
Identifiers: ClinVar variation 2641981 (VCV002641981.24), dbSNP rs2495562505, ClinGen allele CA381359697.